The following is an entry in ClinVar:

ClinVar aggregate classification (germline): Uncertain significance (1 of 4 stars; one submission).

Conditions:
Lipodystrophy, partial, acquired, susceptibility to (APLD). Also called: APLD, SUSCEPTIBILITY TO. Identifiers: MedGen C3887501, MONDO:0100476, OMIM 608709.
Progressive myoclonic epilepsy type 9. Identifiers: Orphanet 457265, MedGen C4225289, MONDO:0014685, OMIM 616540.

Allele frequency attached by ClinVar (database versions not stated): TOPMed 0.00014; gnomAD 0.00016.
gnomAD v4.1: 42 of 1,604,432 alleles (0.0026%); highest among the groups gnomAD compares: African/African-American, 0.017%; no homozygotes.

Submission:

Labcorp Genetics (formerly Invitae), Labcorp
Classification: Uncertain significance for Progressive myoclonic epilepsy type 9; Lipodystrophy, partial, acquired, susceptibility to. Last evaluated: 2025-11-06. Review status: criteria provided, single submitter. Criteria: Invitae Variant Classification Sherloc (09022015). Collection method: clinical testing. Allele origin: germline.
Comment: This sequence change replaces glycine, which is neutral and non-polar, with arginine, which is basic and polar, at codon 429 of the LMNB2 protein (p.Gly429Arg). This variant is present in population databases (rs760709933, gnomAD 0.03%). This variant has not been reported in the literature in individuals affected with LMNB2-related conditions. ClinVar contains an entry for this variant (Variation ID: 653990). An algorithm developed to predict the effect of missense changes on protein structure and function (PolyPhen-2) suggests that this variant is likely to be tolerated. In summary, the available evidence is currently insufficient to determine the role of this variant in disease. Therefore, it has been classified as a Variant of Uncertain Significance.

NM_032737.4(LMNB2):c.1285G>A (p.Gly429Arg)

Gene: LMNB2 (lamin B2; minus strand). Cytogenetic location: 19p13.3.
Variant type: single nucleotide variant.
Coding change: c.1285G>A on transcript NM_032737.4 (MANE Select); coding-DNA position 1285, G replaced by A.
Protein change: p.Gly429Arg; replaces glycine 429 with arginine.
Molecular consequence: missense variant.
Genome position (GRCh38, 1-based): chr19:2,434,023, C>T on the plus strand (G>A on the coding strand, the complement: LMNB2 is on the minus strand). VCF-style: chr19-2434023-C-T. GRCh37 (hg19) VCF-style: chr19-2434021-C-T.
Other names: short protein forms G429R.
Identifiers: ClinVar variation 653990 (VCV000653990.10), dbSNP rs760709933, ClinGen allele CA9067546.